The following is an entry in ClinVar:

NM_001131016.2(CIZ1):c.2295+6G>A

Gene: CIZ1 (CDKN1A interacting zinc finger protein 1; minus strand). Cytogenetic location: 9q34.11.
Variant type: single nucleotide variant.
Coding change: c.2295+6G>A on transcript NM_001131016.2 (MANE Select); 6 bases into the intron after coding-DNA position 2295, G replaced by A.
Molecular consequence: intron variant.
Genome position (GRCh38, 1-based): chr9:128,169,046, C>T on the plus strand (G>A on the coding strand, the complement: CIZ1 is on the minus strand). VCF-style: chr9-128169046-C-T. GRCh37 (hg19) VCF-style: chr9-130931325-C-T.
Other names: c.2127+6G>A (NM_001131015.2); c.2295+6G>A (NM_012127.3); c.2463+6G>A (NM_001257975.2); c.1992+6G>A (NM_001257976.2); c.2055+6G>A (NM_001131018.2); c.2112+6G>A (NM_001131017.2).
Identifiers: ClinVar variation 1055590 (VCV001055590.7), dbSNP rs373247353, ClinGen allele CA5257068.

ClinVar aggregate classification (germline): Uncertain significance (1 of 4 stars; one submission).

Conditions:
Dystonic disorder. Also called: Dystonia. Identifiers: MedGen C0013421, MONDO:0003441, HP:0001332.

gnomAD v4.1: 19 of 1,614,100 alleles (0.0012%); highest among the groups gnomAD compares: East Asian, 0.0067%; no homozygotes.

Submission:

Labcorp Genetics (formerly Invitae), Labcorp
Classification: Uncertain significance for Dystonic disorder. Last evaluated: 2022-09-06. Review status: criteria provided, single submitter. Criteria: Invitae Variant Classification Sherloc (09022015). Collection method: clinical testing. Allele origin: germline.
Comment: ClinVar contains an entry for this variant (Variation ID: 1055590). In summary, the available evidence is currently insufficient to determine the role of this variant in disease. Therefore, it has been classified as a Variant of Uncertain Significance. Variants that disrupt the consensus splice site are a relatively common cause of aberrant splicing (PMID: 17576681, 9536098). Algorithms developed to predict the effect of sequence changes on RNA splicing suggest that this variant is not likely to affect RNA splicing. This variant has not been reported in the literature in individuals affected with CIZ1-related conditions. This variant is present in population databases (rs373247353, gnomAD 0.01%). This sequence change falls in intron 14 of the CIZ1 gene. It does not directly change the encoded amino acid sequence of the CIZ1 protein. It affects a nucleotide within the consensus splice site.

Literature cited by the submitters: PubMed 17576681; PubMed 9536098.